The following is an entry in ClinVar:

NM_001080449.3(DNA2):c.2209-33G>A

Gene: DNA2 (DNA replication helicase/nuclease 2; minus strand). Cytogenetic location: 10q21.3.
Variant type: single nucleotide variant.
Coding change: c.2209-33G>A on transcript NM_001080449.3 (MANE Select); 33 bases into the intron before coding-DNA position 2209, G replaced by A.
Molecular consequence: intron variant.
Genome position (GRCh38, 1-based): chr10:68,422,923, C>T on the plus strand (G>A on the coding strand, the complement: DNA2 is on the minus strand). VCF-style: chr10-68422923-C-T. GRCh37 (hg19) VCF-style: chr10-70182680-C-T.
Identifiers: ClinVar variation 676740 (VCV000676740.2), dbSNP rs10998153, ClinGen allele CA5524874.
Genomic context (GRCh38, chr10:68,422,923, plus strand): 5'-TTCCCATACATGTTGTTGCAACTATAAGCTAAAAACAAGGAAAACAGATCAGTTATTTAA[C>T]ATGTAAAAGAAATGTAGTTTTGTTTCTCTCATTTTTGAAATGAAAAGATCAAAAGGTTTT-3'

ClinVar aggregate classification (germline): Benign. Review status: criteria provided, multiple submitters, no conflicts (2 of 4 stars). 2 submissions from 2 submitters: Benign (2). Last evaluated 2018-06-14.

Allele frequency attached by ClinVar (database versions not stated): gnomAD exomes 0.04821 and 0.04893; ExAC 0.04899; 1000 Genomes Project 0.05511; 1000 Genomes Project 30x 0.05824; gnomAD 0.07163 and 0.07564; ESP Exome Variant Server 0.07642; TOPMed 0.07649.
gnomAD v4.1: 73,440 of 1,432,704 alleles (5.1%); highest among the groups gnomAD compares: African/African-American, 15%; 2,422 homozygotes.

Submissions (2):

GeneDx
Classification: Benign. Last evaluated: 2018-06-14. Review status: criteria provided, single submitter. Criteria: GeneDx Variant Classification (06012015). Collection method: clinical testing. Allele origin: germline. Affected: yes.
Comment: This variant is considered likely benign or benign based on one or more of the following criteria: it is a conservative change, it occurs at a poorly conserved position in the protein, it is predicted to be benign by multiple in silico algorithms, and/or has population frequency not consistent with disease.

Breakthrough Genomics
Classification: Benign. Review status: criteria provided, single submitter. Criteria: ACMG Guidelines, 2015. Collection method: not provided. Allele origin: germline. Inheritance: Autosomal recessive inheritance. Affected: yes.